The following is an entry in ClinVar:

NM_000070.3(CAPN3):c.2264-10C>A

Gene: CAPN3 (calpain 3; plus strand). Cytogenetic location: 15q15.1.
Variant type: single nucleotide variant.
Coding change: c.2264-10C>A on transcript NM_000070.3 (MANE Select); 10 bases into the intron before coding-DNA position 2264, C replaced by A.
Molecular consequence: intron variant.
Genome position (GRCh38, 1-based): chr15:42,410,874, C>A. VCF-style: chr15-42410874-C-A. GRCh37 (hg19) VCF-style: chr15-42703072-C-A.
Other names: c.2246-10C>A (NM_024344.2); c.1988-10C>A (NM_173087.2); c.728-10C>A (NM_173088.2); c.269-10C>A (NM_173090.2, NM_173089.2).
Identifiers: ClinVar variation 2799348 (VCV002799348.3), dbSNP rs748702355, ClinGen allele CA617609446.

ClinVar aggregate classification (germline): Uncertain significance (1 of 4 stars; one submission).

Conditions:
Autosomal recessive limb-girdle muscular dystrophy type 2A (LGMDR1). Also called: Muscular dystrophy, limb-girdle, type 2A, Amish; Limb-girdle muscular dystrophy, type 2A; Calpainopathy; LEYDEN-MOEBIUS MUSCULAR DYSTROPHY; MUSCULAR DYSTROPHY, PELVOFEMORAL. Identifiers: Orphanet 267, MedGen C1869123, MONDO:0009675, OMIM 253600. Disease mechanism: loss of function.

Allele frequency attached by ClinVar (database versions not stated): gnomAD 0.00001; TOPMed 0.00002.
gnomAD v4.1: 14 of 1,605,096 alleles (0.00087%); highest among the groups gnomAD compares: Non-Finnish European, 0.0012%; no homozygotes.

Submission:

Labcorp Genetics (formerly Invitae), Labcorp
Classification: Uncertain significance for Autosomal recessive limb-girdle muscular dystrophy type 2A. Last evaluated: 2023-06-30. Review status: criteria provided, single submitter. Criteria: Invitae Variant Classification Sherloc (09022015). Collection method: clinical testing. Allele origin: germline.
Comment: This sequence change falls in intron 21 of the CAPN3 gene. It does not directly change the encoded amino acid sequence of the CAPN3 protein. This variant is present in population databases (no rsID available, gnomAD 0.0009%). This variant has not been reported in the literature in individuals affected with CAPN3-related conditions. Algorithms developed to predict the effect of sequence changes on RNA splicing suggest that this variant may create or strengthen a splice site. In summary, the available evidence is currently insufficient to determine the role of this variant in disease. Therefore, it has been classified as a Variant of Uncertain Significance.